The following is an entry in ClinVar:

NM_006088.6(TUBB4B):c.900G>A (p.Met300Ile)

Gene: TUBB4B (tubulin beta 4B class IVb; plus strand). Cytogenetic location: 9q34.3.
Variant type: single nucleotide variant.
Coding change: c.900G>A on transcript NM_006088.6 (MANE Select); coding-DNA position 900, G replaced by A.
Protein change: p.Met300Ile; replaces methionine 300 with isoleucine.
Molecular consequence: missense variant.
Genome position (GRCh38, 1-based): chr9:137,243,118, G>A. VCF-style: chr9-137243118-G-A. GRCh37 (hg19) VCF-style: chr9-140137570-G-A.
Other names: short protein forms M300I.
Identifiers: ClinVar variation 4083252 (VCV004083252.1).

ClinVar aggregate classification (germline): Uncertain significance (1 of 4 stars; one submission).

Submission:

GeneDx
Classification: Uncertain significance. Last evaluated: 2025-03-10. Review status: criteria provided, single submitter. Criteria: GeneDx Variant Classification Process June 2021. Collection method: clinical testing. Allele origin: germline. Affected: yes.
Comment: Not observed at significant frequency in large population cohorts (gnomAD); In silico analysis supports that this missense variant has a deleterious effect on protein structure/function; Has not been previously published as pathogenic or benign to our knowledge.